The following is an entry in ClinVar:

ClinVar aggregate classification (germline): Pathogenic (1 of 4 stars; one submission).

Submission:

GeneDx
Classification: Pathogenic. Last evaluated: 2016-07-07. Review status: criteria provided, single submitter. Criteria: GeneDx Variant Classification (06012015). Collection method: clinical testing. Allele origin: germline. Affected: yes.
Comment: The c.2048_2051dupTCTT variant in the PHEX gene causes a frameshift starting with codon Phenylalanine 685, changes this amino acid to a Leucine residue and creates a premature Stop codon at position 33 of the new reading frame, denoted p.Phe685LeufsX33. This variant is predicted to cause loss of normal protein function either through protein truncation or nonsense-mediated mRNA decay.

NM_000444.6(PHEX):c.2048_2051dup (p.Phe685fs)

Genes: PHEX (phosphate regulating endopeptidase homolog X-linked; plus strand), PTCHD1-AS (PTCHD1 antisense RNA (head to head); minus strand). Cytogenetic location: Xp22.11.
Variant type: Duplication.
Coding change: c.2048_2051dup on transcript NM_000444.6 (MANE Select); coding-DNA positions 2048 to 2051, 4 bases duplicated (TCTT; older notation c.2048_2051dupTCTT).
Protein change: p.Phe685fs; shifts the reading frame from phenylalanine 685.
Molecular consequence: frameshift variant. On other transcripts: non-coding transcript variant (1).
Genome position (GRCh38, 1-based): chrX:22,227,589-22,227,592, TCTT duplicated. VCF-style (leftmost placement, unchanged base first): chrX-22227588-C-CTCTT. GRCh37 (hg19) VCF-style: chrX-22245705-C-CTCTT.
Other names: c.2048_2051dup, p.Phe685fs (NM_001282754.2); short protein forms F685fs.
Identifiers: ClinVar variation 280674 (VCV000280674.2), dbSNP rs886041840, ClinGen allele CA10603654.